The following is an entry in ClinVar:

ClinVar aggregate classification (germline): Likely benign (0 of 4 stars; one submission).

Conditions:
TANC2-related disorder. Also called: TANC2-related condition.

Allele frequency attached by ClinVar (database versions not stated): ExAC 0.00001; gnomAD exomes 0.00001; gnomAD 0.00007; TOPMed 0.00007; ESP Exome Variant Server 0.00008.
gnomAD v4.1: 25 of 1,614,088 alleles (0.0015%); highest among the groups gnomAD compares: African/African-American, 0.033%; no homozygotes.

Submission:

PreventionGenetics, part of Exact Sciences
Classification: Likely benign for TANC2-related condition. Last evaluated: 2022-11-11. Review status: no assertion criteria provided. Collection method: clinical testing. Allele origin: germline.
Comment: This variant is classified as likely benign based on ACMG/AMP sequence variant interpretation guidelines (Richards et al. 2015 PMID: 25741868, with internal and published modifications).

NM_001394998.1(TANC2):c.5943C>T (p.Ile1981=)

Gene: TANC2 (tetratricopeptide repeat, ankyrin repeat and coiled-coil containing 2; plus strand). Cytogenetic location: 17q23.3.
Variant type: single nucleotide variant.
Coding change: c.5943C>T on transcript NM_001394998.1 (MANE Select); coding-DNA position 5943, C replaced by T.
Protein change: p.Ile1981=; no amino-acid change (isoleucine 1981 retained).
Molecular consequence: synonymous variant.
Genome position (GRCh38, 1-based): chr17:63,421,673, C>T. VCF-style: chr17-63421673-C-T. GRCh37 (hg19) VCF-style: chr17-61499034-C-T.
Other names: c.5721C>T, p.Ile1907= (NM_001411076.1); c.5691C>T, p.Ile1897= (NM_025185.4).
Identifiers: ClinVar variation 3047757 (VCV003047757.2), dbSNP rs377687196, ClinGen allele CA8698535.